The following is an entry in ClinVar:

NM_000047.3(ARSL):c.1077G>C (p.Glu359Asp)

Gene: ARSL (arylsulfatase L; minus strand). Cytogenetic location: Xp22.33.
Variant type: single nucleotide variant.
Coding change: c.1077G>C on transcript NM_000047.3 (MANE Select); coding-DNA position 1077, G replaced by C.
Protein change: p.Glu359Asp; replaces glutamic acid 359 with aspartic acid.
Molecular consequence: missense variant.
Genome position (GRCh38, 1-based): chrX:2,943,114, C>G on the plus strand (G>C on the coding strand, the complement: ARSL is on the minus strand). VCF-style: chrX-2943114-C-G. GRCh37 (hg19) VCF-style: chrX-2861155-C-G.
Other names: c.1152G>C, p.Glu384Asp (NM_001282628.2, NM_001369080.1); c.915G>C, p.Glu305Asp (NM_001282631.2); c.1104G>C, p.Glu368Asp (NM_001369079.1); short protein forms E359D, E368D, E384D, E305D.
Identifiers: ClinVar variation 2695589 (VCV002695589.3), dbSNP rs961100839, ClinGen allele CA412278589.
Genomic context (GRCh38, chrX:2,943,114, plus strand): 5'-CTCAGTCTTACCTTTATAAATTCCATTCCAGCCACCATACTGGGTGTTTCCAAGTTGATT[C>G]TCTAGGGAACCGCCGTGATCCGACGTAAAATAAATGAGGGTGCTGTTGCTCAAACCCTCC-3'
Protein context (NP_000038.2, residues 349-369): YFTSDHGGSL[Glu359Asp]NQLGNTQYGG

ClinVar aggregate classification (germline): Uncertain significance (1 of 4 stars; one submission).

Conditions:
Chondrodysplasia punctata, brachytelephalangic, autosomal. Also called: BRACHYTELEPHALANGIC CHONDRODYSPLASIA PUNCTATA. Identifiers: MedGen C1844853, MONDO:0011238, OMIM 602497.

Submission:

Labcorp Genetics (formerly Invitae), Labcorp
Classification: Uncertain significance for Chondrodysplasia punctata, brachytelephalangic, autosomal. Last evaluated: 2023-11-13. Review status: criteria provided, single submitter. Criteria: Invitae Variant Classification Sherloc (09022015). Collection method: clinical testing. Allele origin: germline.
Comment: This sequence change replaces glutamic acid, which is acidic and polar, with aspartic acid, which is acidic and polar, at codon 359 of the ARSE protein (p.Glu359Asp). This variant is not present in population databases (gnomAD no frequency). This variant has not been reported in the literature in individuals affected with ARSE-related conditions. Advanced modeling of protein sequence and biophysical properties (such as structural, functional, and spatial information, amino acid conservation, physicochemical variation, residue mobility, and thermodynamic stability) has been performed at Invitae for this missense variant, however the output from this modeling did not meet the statistical confidence thresholds required to predict the impact of this variant on ARSE protein function. In summary, the available evidence is currently insufficient to determine the role of this variant in disease. Therefore, it has been classified as a Variant of Uncertain Significance.